The following is an entry in ClinVar:

NM_003072.5(SMARCA4):c.356G>A (p.Gly119Asp)

Gene: SMARCA4 (SWI/SNF related BAF chromatin remodeling complex subunit ATPase 4; plus strand). Cytogenetic location: 19p13.2.
Variant type: single nucleotide variant.
Coding change: c.356G>A on transcript NM_003072.5 (MANE Select); coding-DNA position 356, G replaced by A.
Protein change: p.Gly119Asp; replaces glycine 119 with aspartic acid.
Molecular consequence: missense variant. On other transcripts: non-coding transcript variant (1).
Genome position (GRCh38, 1-based): chr19:10,986,189, G>A. VCF-style: chr19-10986189-G-A. GRCh37 (hg19) VCF-style: chr19-11096865-G-A.
Other names: c.356G>A, p.Gly119Asp (NM_001128844.3, NM_001128845.2, NM_001128846.2 and 5 more transcripts); short protein forms G119D.
Identifiers: ClinVar variation 639893 (VCV000639893.17), dbSNP rs1599948657, ClinGen allele CA404055526.

ClinVar aggregate classification (germline): Uncertain significance. Review status: criteria provided, multiple submitters, no conflicts (2 of 4 stars). 3 submissions from 3 submitters: Uncertain significance (3). Last evaluated 2022-06-03.

Conditions:
Intellectual disability, autosomal dominant 16 (CSS4). Also called: COFFIN-SIRIS SYNDROME 4. Identifiers: Orphanet 1465, MedGen C3553249, MONDO:0013821, OMIM 614609.
Hereditary cancer-predisposing syndrome. Also called: Neoplastic Syndromes, Hereditary; Tumor predisposition; Hereditary Cancer Syndrome; Hereditary neoplastic syndrome. Identifiers: Orphanet 140162, MedGen C0027672, MeSH D009386, MONDO:0015356.
Rhabdoid tumor predisposition syndrome 2 (RTPS2). Identifiers: Orphanet 231108, Orphanet 69077, MedGen C2750074, MONDO:0013224, OMIM 613325.

Allele frequency attached by ClinVar (database versions not stated): gnomAD exomes below 0.00001.
gnomAD v4.1: 2 of 1,613,634 alleles (0.00012%); highest among the groups gnomAD compares: South Asian, 0.0011%; no homozygotes.

Submissions (3):

Labcorp Genetics (formerly Invitae), Labcorp
Classification: Uncertain significance for Rhabdoid tumor predisposition syndrome 2. Last evaluated: 2022-06-03. Review status: criteria provided, single submitter. Criteria: Invitae Variant Classification Sherloc (09022015). Collection method: clinical testing. Allele origin: germline.
Comment: In summary, the available evidence is currently insufficient to determine the role of this variant in disease. Therefore, it has been classified as a Variant of Uncertain Significance. Algorithms developed to predict the effect of missense changes on protein structure and function (SIFT, PolyPhen-2, Align-GVGD) all suggest that this variant is likely to be disruptive. ClinVar contains an entry for this variant (Variation ID: 639893). This variant has not been reported in the literature in individuals affected with SMARCA4-related conditions. This variant is not present in population databases (gnomAD no frequency). This sequence change replaces glycine, which is neutral and non-polar, with aspartic acid, which is acidic and polar, at codon 119 of the SMARCA4 protein (p.Gly119Asp).

Genome-Nilou Lab
Classification: Uncertain significance for Intellectual disability, autosomal dominant 16. Last evaluated: 2021-07-15. Review status: criteria provided, single submitter. Criteria: ACMG Guidelines, 2015. Collection method: clinical testing. Allele origin: germline. Affected: no.

Ambry Genetics
Classification: Uncertain significance for Hereditary cancer-predisposing syndrome. Last evaluated: 2019-08-06. Review status: criteria provided, single submitter. Criteria: Ambry Variant Classification Scheme 2023. Collection method: clinical testing. Allele origin: germline.
Comment: The p.G119D variant (also known as c.356G>A) is located in coding exon 3 of the SMARCA4 gene. The glycine at codon 119 is replaced by aspartic acid, an amino acid with similar properties. This change occurs in the first base pair of coding exon 3. This amino acid position is highly conserved in available vertebrate species. In addition, this alteration is predicted to be deleterious by in silico analysis. Since supporting evidence is limited at this time, the clinical significance of this alteration remains unclear.